The following is an entry in ClinVar:

ClinVar aggregate classification (germline): Benign. Review status: criteria provided, multiple submitters, no conflicts (2 of 4 stars). 5 submissions from 3 submitters: Benign (5). Last evaluated 2021-07-15.

Conditions:
Arthrogryposis multiplex congenita 3, myogenic type. Also called: ARTHROGRYPOSIS MULTIPLEX CONGENITA, MYOGENIC TYPE. Identifiers: MedGen C5193121, MONDO:0032778, OMIM 618484.
Emery-Dreifuss muscular dystrophy 4, autosomal dominant (EDMD4). Also called: EMERY-DREIFUSS MUSCULAR DYSTROPHY 4 WITH VARIABLE FEATURES. Identifiers: Orphanet 261, MedGen C2751807, MONDO:0013071, OMIM 612998.
Autosomal recessive ataxia, Beauce type. Also called: Spinocerebellar ataxia, autosomal recessive 8; ATAXIA, RECESSIVE, OF BEAUCE; SYNE1-Related Autosomal Recessive Cerebellar Ataxia; SYNE1 Deficiency. Identifiers: Orphanet 88644, MedGen C1853116, MONDO:0012549, OMIM 610743.

Allele frequency attached by ClinVar (database versions not stated): 1000 Genomes Project 0.41094; 1000 Genomes Project 30x 0.41302; TOPMed 0.44974; gnomAD 0.45478 and 0.45577; ESP Exome Variant Server 0.46279; ExAC 0.48180; gnomAD exomes 0.48881 and 0.53128.
gnomAD v4.1: 844,203 of 1,612,906 alleles (52%); highest among the groups gnomAD compares: Non-Finnish European, 55%; 225,079 homozygotes.

Submissions (5):

Genome-Nilou Lab
Classification: Benign for Arthrogryposis multiplex congenita 3, myogenic type. Last evaluated: 2021-07-15. Review status: criteria provided, single submitter. Criteria: ACMG Guidelines, 2015. Collection method: clinical testing. Allele origin: germline. Affected: no.

Genome-Nilou Lab
Classification: Benign for Emery-Dreifuss muscular dystrophy 4, autosomal dominant. Last evaluated: 2021-07-15. Review status: criteria provided, single submitter. Criteria: ACMG Guidelines, 2015. Collection method: clinical testing. Allele origin: germline. Affected: no.

Genome-Nilou Lab
Classification: Benign for Autosomal recessive ataxia, Beauce type. Last evaluated: 2021-07-15. Review status: criteria provided, single submitter. Criteria: ACMG Guidelines, 2015. Collection method: clinical testing. Allele origin: germline. Affected: no.

GeneDx
Classification: Benign. Last evaluated: 2018-06-14. Review status: criteria provided, single submitter. Criteria: GeneDx Variant Classification (06012015). Collection method: clinical testing. Allele origin: germline. Affected: yes.
Comment: This variant is considered likely benign or benign based on one or more of the following criteria: it is a conservative change, it occurs at a poorly conserved position in the protein, it is predicted to be benign by multiple in silico algorithms, and/or has population frequency not consistent with disease.

PreventionGenetics, part of Exact Sciences
Classification: Benign. Review status: criteria provided, single submitter. Criteria: ACMG Guidelines, 2015. Collection method: clinical testing. Allele origin: germline.

NM_182961.4(SYNE1):c.9651+47C>T

Gene: SYNE1 (spectrin repeat containing nuclear envelope protein 1; minus strand). Cytogenetic location: 6q25.2.
Variant type: single nucleotide variant.
Coding change: c.9651+47C>T on transcript NM_182961.4 (MANE Select); 47 bases into the intron after coding-DNA position 9651, C replaced by T.
Molecular consequence: intron variant.
Genome position (GRCh38, 1-based): chr6:152,369,424, G>A on the plus strand (C>T on the coding strand, the complement: SYNE1 is on the minus strand). VCF-style: chr6-152369424-G-A. GRCh37 (hg19) VCF-style: chr6-152690559-G-A.
Other names: c.9672+47C>T (NM_033071.5).
Identifiers: ClinVar variation 262204 (VCV000262204.4), dbSNP rs1873176, ClinGen allele CA4057264.
Genomic context (GRCh38, chr6:152,369,424, plus strand): 5'-CACGGCAGCACAGTCTAACTCAAGGGTGCTGAGCATGCATCTGTAAGGTCGACAGAGGAC[G>A]GACAAAGACTAGGTCAGATGGGGCTACGGGGAGGCGGGCTCATCACCTGGAGCTTCTGCT-3'